The following is an entry in ClinVar:

NM_006361.6(HOXB13):c.851C>T (p.Pro284Leu)

Gene: HOXB13 (homeobox B13; minus strand). Cytogenetic location: 17q21.32.
Variant type: single nucleotide variant.
Coding change: c.851C>T on transcript NM_006361.6 (MANE Select); coding-DNA position 851, C replaced by T.
Protein change: p.Pro284Leu; replaces proline 284 with leucine.
Molecular consequence: missense variant.
Genome position (GRCh38, 1-based): chr17:48,726,794, G>A on the plus strand (C>T on the coding strand, the complement: HOXB13 is on the minus strand). VCF-style: chr17-48726794-G-A. GRCh37 (hg19) VCF-style: chr17-46804156-G-A.
Other names: short protein forms P284L.
Identifiers: ClinVar variation 4644189 (VCV004644189.1).

ClinVar aggregate classification (germline): Uncertain significance (1 of 4 stars; one submission).

Conditions:
Hereditary cancer-predisposing syndrome. Also called: Neoplastic Syndromes, Hereditary; Tumor predisposition; Hereditary Cancer Syndrome; Hereditary neoplastic syndrome. Identifiers: Orphanet 140162, MedGen C0027672, MeSH D009386, MONDO:0015356.

Submission:

Ambry Genetics
Classification: Uncertain significance for Hereditary cancer-predisposing syndrome. Last evaluated: 2025-11-24. Review status: criteria provided, single submitter. Criteria: Ambry Variant Classification Scheme 2023. Collection method: clinical testing. Allele origin: germline.
Comment: The p.P284L variant (also known as c.851C>T), located in coding exon 2 of the HOXB13 gene, results from a C to T substitution at nucleotide position 851. The proline at codon 284 is replaced by leucine, an amino acid with similar properties. This amino acid position is conserved. In addition, this alteration is predicted to be tolerated by in silico analysis. Based on the available evidence, the clinical significance of this variant remains unclear.